The following is an entry in ClinVar:

NM_152490.5(B3GALNT2):c.1255T>A (p.Ser419Thr)

Gene: B3GALNT2 (beta-1,3-N-acetylgalactosaminyltransferase 2; minus strand). Cytogenetic location: 1q42.3.
Variant type: single nucleotide variant.
Coding change: c.1255T>A on transcript NM_152490.5 (MANE Select); coding-DNA position 1255, T replaced by A.
Protein change: p.Ser419Thr; replaces serine 419 with threonine.
Molecular consequence: missense variant.
Genome position (GRCh38, 1-based): chr1:235,454,212, A>T on the plus strand (T>A on the coding strand, the complement: B3GALNT2 is on the minus strand). VCF-style: chr1-235454212-A-T. GRCh37 (hg19) VCF-style: chr1-235617524-A-T.
Other names: short protein forms S419T.
Identifiers: ClinVar variation 951281 (VCV000951281.7), dbSNP rs1281464527, ClinGen allele CA344956829.

ClinVar aggregate classification (germline): Uncertain significance (1 of 4 stars; one submission).

Conditions:
Muscular dystrophy-dystroglycanopathy (congenital with brain and eye anomalies), type a, 11 (MDDGA11). Also called: WALKER-WARBURG SYNDROME OR MUSCLE-EYE-BRAIN DISEASE, B3GALNT2-RELATED; Congenital muscular dystrophy-dystroglycanopathy with brain and eye anomalies, type A11; Muscular dystrophy-dystroglycanopathy (congenital with brain and eye anomalies, type A, 11. Identifiers: Orphanet 588, Orphanet 899, MedGen C3554638, MONDO:0014071, OMIM 615181.

Allele frequency attached by ClinVar (database versions not stated): gnomAD exomes below 0.00001 and 0.00001.
gnomAD v4.1: 9 of 1,613,538 alleles (0.00056%); highest among the groups gnomAD compares: Non-Finnish European, 0.00076%; no homozygotes.

Submission:

Labcorp Genetics (formerly Invitae), Labcorp
Classification: Uncertain significance for Muscular dystrophy-dystroglycanopathy (congenital with brain and eye anomalies), type a, 11. Last evaluated: 2019-07-06. Review status: criteria provided, single submitter. Criteria: Invitae Variant Classification Sherloc (09022015). Collection method: clinical testing. Allele origin: germline.
Comment: Algorithms developed to predict the effect of missense changes on protein structure and function are either unavailable or do not agree on the potential impact of this missense change (SIFT: "Deleterious"; PolyPhen-2: "Possibly Damaging"; Align-GVGD: "Class C0"). In summary, the available evidence is currently insufficient to determine the role of this variant in disease. Therefore, it has been classified as a Variant of Uncertain Significance. This variant is not present in population databases (ExAC no frequency). This sequence change replaces serine with threonine at codon 419 of the B3GALNT2 protein (p.Ser419Thr). The serine residue is highly conserved and there is a small physicochemical difference between serine and threonine. This variant has not been reported in the literature in individuals with B3GALNT2-related conditions.